The following is an entry in ClinVar:

ClinVar aggregate classification (germline): Benign (1 of 4 stars; one submission).

gnomAD v4.1: 5,064 of 1,613,670 alleles (0.31%); highest among the groups gnomAD compares: South Asian, 3.3%; 92 homozygotes.

Submission:

Mayo Clinic Laboratories, Mayo Clinic
Classification: Benign. Last evaluated: 2025-02-03. Review status: criteria provided, single submitter. Criteria: ACMG Guidelines, 2015. Collection method: clinical testing. Allele origin: germline. Observed: 5 variant alleles.
Comment: BA1, BP4, BP7

NM_001386393.1(PANK2):c.1206+24A>G

Gene: PANK2 (pantothenate kinase 2; plus strand). Cytogenetic location: 20p13.
Variant type: single nucleotide variant.
Coding change: c.1206+24A>G on transcript NM_001386393.1 (MANE Select); 24 bases into the intron after coding-DNA position 1206, A replaced by G.
Molecular consequence: intron variant.
Genome position (GRCh38, 1-based): chr20:3,917,074, A>G. VCF-style: chr20-3917074-A-G. GRCh37 (hg19) VCF-style: chr20-3897721-A-G.
Other names: p.?; c.663+24A>G (NM_024960.6, NM_001324191.2, NM_153640.4); c.1536+24A>G (NM_153638.4); c.228+24A>G (NM_001324193.2).
Identifiers: ClinVar variation 4684405 (VCV004684405.1).